The following is an entry in ClinVar:

ClinVar aggregate classification (germline): Uncertain significance (1 of 4 stars; one submission).

Submission:

GeneDx
Classification: Uncertain significance. Last evaluated: 2024-07-01. Review status: criteria provided, single submitter. Criteria: GeneDx Variant Classification Process June 2021. Collection method: clinical testing. Allele origin: germline. Affected: yes.
Comment: Not observed at significant frequency in large population cohorts (gnomAD); In silico analysis supports that this missense variant has a deleterious effect on protein structure/function; Has not been previously published as pathogenic or benign to our knowledge

NM_012310.5(KIF4A):c.650C>G (p.Thr217Arg)

Gene: KIF4A (kinesin family member 4A; plus strand). Cytogenetic location: Xq13.1.
Variant type: single nucleotide variant.
Coding change: c.650C>G on transcript NM_012310.5 (MANE Select); coding-DNA position 650, C replaced by G.
Protein change: p.Thr217Arg; replaces threonine 217 with arginine.
Molecular consequence: missense variant.
Genome position (GRCh38, 1-based): chrX:70,302,033, C>G. VCF-style: chrX-70302033-C-G. GRCh37 (hg19) VCF-style: chrX-69521883-C-G.
Other names: short protein forms T217R.
Identifiers: ClinVar variation 3393645 (VCV003393645.1).
Genomic context (GRCh38, chrX:70,302,033, plus strand): 5'-CTAGGACTGTGGCCTCCACGGCTATGAACTCCCAGTCGTCCCGATCTCATGCCATCTTTA[C>G]AATCTCCTTAGAGCAAAGAAAGAAAAGTGACAAGTAAGTTACAATTTAAAGAGTCAAGAT-3'
Protein context (NP_036442.3, residues 207-227): SQSSRSHAIF[Thr217Arg]ISLEQRKKSD